The following is an entry in ClinVar:

ClinVar aggregate classification (germline): Pathogenic. Review status: criteria provided, multiple submitters, no conflicts (2 of 4 stars). 2 submissions from 2 submitters: Pathogenic (2). Last evaluated 2026-05-04.

Conditions:
Brugada syndrome 5 (BRGDA5). Identifiers: Orphanet 130, Orphanet 871, MedGen C2748541, MONDO:0013015, OMIM 612838.
SCN1B-related disorder. Also called: SCN1B-Related Disorders; SCN1B-related condition.

Submissions (2):

Women's Health and Genetics/Laboratory Corporation of America, LabCorp
Classification: Pathogenic for SCN1B-Related Disorders. Last evaluated: 2026-05-04. Review status: criteria provided, single submitter. Criteria: LabCorp Variant Classification Summary - May 2015. Collection method: clinical testing. Allele origin: germline.
Comment: Variant summary: SCN1B c.312_315delGTCT (p.Ile106SerfsX40) results in a premature termination codon in the last exon, predicted to cause a truncation of the encoded protein, however, nonsense mediated decay is not expected to occur. The variant was absent in 251472 control chromosomes. To our knowledge, no occurrence of c.312_315delGTCT in individuals affected with SCN1B-related conditions, and no experimental evidence demonstrating its impact on protein function has been reported. At least one downstream variant has been classified as pathogenic (c.363C>G, p.Cys121Trp), providing evidence that the region altered by the variant is critical to protein function. ClinVar contains an entry for this variant (Variation ID: 2014378). Based on the evidence outlined above, the variant was classified as pathogenic.

Labcorp Genetics (formerly Invitae), Labcorp
Classification: Pathogenic for Brugada syndrome 5. Last evaluated: 2024-11-24. Review status: criteria provided, single submitter. Criteria: Invitae Variant Classification Sherloc (09022015). Collection method: clinical testing. Allele origin: germline.
Comment: This sequence change creates a premature translational stop signal (p.Ile106Serfs*40) in the SCN1B gene. While this is not anticipated to result in nonsense mediated decay, it is expected to disrupt the last 163 amino acid(s) of the SCN1B protein. This variant is not present in population databases (gnomAD no frequency). This variant has not been reported in the literature in individuals affected with SCN1B-related conditions. ClinVar contains an entry for this variant (Variation ID: 2014378). This variant disrupts a region of the SCN1B protein in which other variant(s) (p.Cys121Trp) have been determined to be pathogenic (PMID: 9697698, 12011299, 17020904). This suggests that this is a clinically significant region of the protein, and that variants that disrupt it are likely to be disease-causing. For these reasons, this variant has been classified as Pathogenic.

Literature cited by the submitters: PubMed 9697698 (cited by Labcorp Genetics (formerly Invitae), Labcorp); PubMed 12011299 (cited by Labcorp Genetics (formerly Invitae), Labcorp); PubMed 17020904 (cited by Labcorp Genetics (formerly Invitae), Labcorp).

NM_001037.5(SCN1B):c.312_315del (p.Ile106fs)

Gene: SCN1B (sodium voltage-gated channel beta subunit 1; plus strand). Cytogenetic location: 19q13.11.
Variant type: Deletion.
Coding change: c.312_315del on transcript NM_001037.5 (MANE Select); coding-DNA positions 312 to 315, 4 bases deleted (GTCT; older notation c.312_315delGTCT).
Protein change: p.Ile106fs; shifts the reading frame from isoleucine 106.
Molecular consequence: frameshift variant.
Genome position (GRCh38, 1-based): chr19:35,033,603-35,033,606, GTCT deleted; deleting any 4 consecutive bases within chr19:35,033,600-35,033,606 gives the same sequence; the c. name uses the placement nearest the transcript's 3' end. VCF-style (leftmost placement, unchanged base first): chr19-35033599-ATCTG-A. GRCh37 (hg19) VCF-style: chr19-35524503-ATCTG-A.
Other names: c.213_216del, p.Ile73fs (NM_001321605.2); c.312_315del, p.Ile106fs (NM_199037.5); c.312_315delGTCT (NM_199037.5); short protein forms I106fs, I73fs.
Identifiers: ClinVar variation 2014378 (VCV002014378.5), dbSNP rs2514234475, ClinGen allele CA2580096800.